The following is an entry in ClinVar:

ClinVar aggregate classification (germline): Uncertain significance (1 of 4 stars; one submission).

gnomAD v4.1: 1 of 1,608,012 alleles (0.000062%); highest among the groups gnomAD compares: Non-Finnish European, 0.000085%; no homozygotes.

Submission:

GeneDx
Classification: Uncertain significance. Last evaluated: 2026-02-06. Review status: criteria provided, single submitter. Criteria: GeneDx Variant Classification Process June 2021. Collection method: clinical testing. Allele origin: germline.
Comment: Not observed at significant frequency in large population cohorts (gnomAD); In silico analysis supports that this missense variant has a deleterious effect on protein structure/function; Has not been previously published as pathogenic or benign to our knowledge

NM_004522.3(KIF5C):c.140A>G (p.Tyr47Cys)

Genes: KIF5C (kinesin family member 5C; plus strand), LOC101928553 (uncharacterized LOC101928553; minus strand). Cytogenetic location: 2q23.1.
Variant type: single nucleotide variant.
Coding change: c.140A>G on transcript NM_004522.3 (MANE Select); coding-DNA position 140, A replaced by G.
Protein change: p.Tyr47Cys; replaces tyrosine 47 with cysteine.
Molecular consequence: missense variant.
Genome position (GRCh38, 1-based): chr2:148,922,150, A>G. VCF-style: chr2-148922150-A-G. GRCh37 (hg19) VCF-style: chr2-149679719-A-G.
Other names: short protein forms Y47C.
Identifiers: ClinVar variation 4976348 (VCV004976348.1).
Genomic context (GRCh38, chr2:148,922,150, plus strand): 5'-TAATGTGTTTTTTCCACCTTTTTCTTCCCTTTGTCTTTCTTTTTTAGCAAGGGAAGCCAT[A>G]TGTCTTCGACAGAGTGCTACCTCCCAACACGACCCAAGAGCAGGTTTACAATGCATGTGC-3'
Protein context (NP_004513.1, residues 37-57): ETVVIGQGKP[Tyr47Cys]VFDRVLPPNT